The following is an entry in ClinVar:

ClinVar aggregate classification (germline): Uncertain significance. Review status: criteria provided, multiple submitters, no conflicts (2 of 4 stars). 4 submissions from 4 submitters: Uncertain significance (3). 1 of the submissions does not count toward it. Last evaluated 2026-08-28.

Conditions:
MAGEL2-related disorder. Also called: MAGEL2-related condition.

Submissions (4):

GeneDx
Classification: Uncertain significance. Last evaluated: 2026-08-28. Review status: criteria provided, single submitter. Criteria: GeneDx Variant Classification Process June 2021. Collection method: clinical testing. Allele origin: germline.
Comment: Not observed at significant frequency in large population cohorts (gnomAD); In-frame duplication of 7 amino acids in a repetitive region with no known function; Has not been previously published as pathogenic or benign to our knowledge

Labcorp Genetics (formerly Invitae), Labcorp
Classification: Uncertain significance. Last evaluated: 2025-01-30. Review status: criteria provided, single submitter. Criteria: Invitae Variant Classification Sherloc (09022015). Collection method: clinical testing. Allele origin: germline.
Comment: This variant, c.1365_1385dup, results in the insertion of 7 amino acid(s) of the MAGEL2 protein (p.Pro456_Pro462dup), but otherwise preserves the integrity of the reading frame. This variant is not present in population databases (gnomAD no frequency). This variant has not been reported in the literature in individuals affected with MAGEL2-related conditions. ClinVar contains an entry for this variant (Variation ID: 2085056). Experimental studies and prediction algorithms are not available or were not evaluated, and the functional significance of this variant is currently unknown. In summary, the available evidence is currently insufficient to determine the role of this variant in disease. Therefore, it has been classified as a Variant of Uncertain Significance.

Greenwood Genetic Center Diagnostic Laboratories, Greenwood Genetic Center
Classification: Uncertain significance. Last evaluated: 2023-09-29. Review status: criteria provided, single submitter. Criteria: ACMG Guidelines, 2015. Collection method: clinical testing. Allele origin: germline. Affected: yes.
Comment: PM2, PM4

PreventionGenetics, part of Exact Sciences
Classification: Uncertain significance for MAGEL2-related condition. Last evaluated: 2024-07-03. Review status: no assertion criteria provided. Collection method: clinical testing. Allele origin: germline. Not counted in ClinVar's aggregate classification.
Comment: The MAGEL2 c.1365_1385dup21 variant is predicted to result in an in-frame duplication (p.Pro456_Pro462dup). To our knowledge, this variant has not been reported in the literature or in a large population database, indicating this variant is rare. At this time, the clinical significance of this variant is uncertain due to the absence of conclusive functional and genetic evidence.

NM_019066.5(MAGEL2):c.1344ACCCGTGATCCGCCAGGCCCC[3] (p.Pro462_Ala463insProValIleArgGlnAlaPro)

Gene: MAGEL2 (MAGE family member L2; minus strand). Cytogenetic location: 15q11.2.
Variant type: Microsatellite.
Coding change: c.1344ACCCGTGATCCGCCAGGCCCC[3] on transcript NM_019066.5 (MANE Select); three copies in a row of the 21-base unit ACCCGTGATCCGCCAGGCCCC starting at c.1344; the reference has two copies in a row; one copy, 21 bases duplicated; also written c.1365_1385dup.
Protein change: p.Pro462_Ala463insProValIleArgGlnAlaPro.
Molecular consequence: inframe insertion.
Genome position (GRCh38, 1-based): chr15:23,646,358-23,646,378, GGGGCCTGGCGGATCACGGGT duplicated on the plus strand (ACCCGTGATCCGCCAGGCCCC on the coding strand, the reverse complement: MAGEL2 is on the minus strand); duplicating any 21 consecutive bases within chr15:23,646,358-23,646,416 gives the same sequence; the position shown is the placement nearest the transcript's 3' end. VCF-style (leftmost placement, unchanged base first): chr15-23646357-G-GGGGGCCTGGCGGATCACGGGT. GRCh37 (hg19) VCF-style: chr15-23891504-G-GGGGGCCTGGCGGATCACGGGT.
Other names: c.1365_1385dup (NM_019066.5); c.1365_1385dup21 (NM_019066.4).
Identifiers: ClinVar variation 2085056 (VCV002085056.10), dbSNP rs794726941, ClinGen allele CA617084263.